The following is an entry in ClinVar:

NM_015650.4(TRAF3IP1):c.465AGA[2] (p.Glu158del)

Gene: TRAF3IP1 (TRAF3 interacting protein 1; plus strand). Cytogenetic location: 2q37.3.
Variant type: Microsatellite.
Coding change: c.465AGA[2] on transcript NM_015650.4 (MANE Select); two copies in a row of the 3-base unit AGA starting at c.465; the reference has three copies in a row; one copy, 3 bases deleted.
Protein change: p.Glu158del; deletes glutamic acid 158.
Molecular consequence: inframe deletion.
Genome position (GRCh38, 1-based): chr2:238,328,802-238,328,804, AGA deleted; deleting any 3 consecutive bases within chr2:238,328,796-238,328,804 gives the same sequence; the position shown is the placement nearest the transcript's 3' end. VCF-style (leftmost placement, unchanged base first): chr2-238328795-GAGA-G. GRCh37 (hg19) VCF-style: chr2-239237436-GAGA-G.
Other names: c.465AGA[2], p.Glu158del (NM_001139490.1); short protein forms E158del.
Identifiers: ClinVar variation 1419386 (VCV001419386.6), dbSNP rs767260312, ClinGen allele CA2198070.
Genomic context (GRCh38, chr2:238,328,795, plus strand): 5'-AAGTGAAAGGCCGGGCCTCACTGACCTCAAGATCTCAGGAATTGGATAATAAGAATGTGC[GAGA>G]AGAAGAGTCCAGAGTTCACAAAAATACAGAGGTGAATTCCAAGTCGCACATCTTTGAAAA-3'

ClinVar aggregate classification (germline): Uncertain significance (1 of 4 stars; one submission).

Submission:

Labcorp Genetics (formerly Invitae), Labcorp
Classification: Uncertain significance. Last evaluated: 2024-01-19. Review status: criteria provided, single submitter. Criteria: Invitae Variant Classification Sherloc (09022015). Collection method: clinical testing. Allele origin: germline.
Comment: This variant, c.471_473del, results in the deletion of 1 amino acid(s) of the TRAF3IP1 protein (p.Glu158del), but otherwise preserves the integrity of the reading frame. This variant is present in population databases (rs767260312, gnomAD 0.007%). This variant has not been reported in the literature in individuals affected with TRAF3IP1-related conditions. Experimental studies and prediction algorithms are not available or were not evaluated, and the functional significance of this variant is currently unknown. In summary, the available evidence is currently insufficient to determine the role of this variant in disease. Therefore, it has been classified as a Variant of Uncertain Significance.